The following is an entry in ClinVar:

NM_181303.2(NLGN3):c.2018C>A (p.Ala673Asp)

Gene: NLGN3 (neuroligin 3; plus strand). Cytogenetic location: Xq13.1.
Variant type: single nucleotide variant.
Coding change: c.2018C>A on transcript NM_181303.2 (MANE Select); coding-DNA position 2018, C replaced by A.
Protein change: p.Ala673Asp; replaces alanine 673 with aspartic acid.
Molecular consequence: missense variant.
Genome position (GRCh38, 1-based): chrX:71,169,568, C>A. VCF-style: chrX-71169568-C-A. GRCh37 (hg19) VCF-style: chrX-70389418-C-A.
Other names: c.1898C>A, p.Ala633Asp (NM_001166660.2); c.1607C>A, p.Ala536Asp (NM_001321276.2); c.1958C>A, p.Ala653Asp (NM_018977.4); short protein forms A633D, A536D, A653D, A673D.
Identifiers: ClinVar variation 1783348 (VCV001783348.2), dbSNP rs2092463162, ClinGen allele CA413566005.

ClinVar aggregate classification (germline): Uncertain significance (1 of 4 stars; one submission).

Conditions:
Inborn genetic diseases. Identifiers: MedGen C0950123, MeSH D030342.

Submission:

Ambry Genetics
Classification: Uncertain significance for Inborn genetic diseases. Last evaluated: 2018-05-18. Review status: criteria provided, single submitter. Criteria: Ambry Variant Classification Scheme 2023. Collection method: clinical testing. Allele origin: germline.
Comment: The p.A653D variant (also known as c.1958C>A), located in coding exon 6 of the NLGN3 gene, results from a C to A substitution at nucleotide position 1958. The alanine at codon 653 is replaced by aspartic acid, an amino acid with dissimilar properties. This amino acid position is not well conserved in available vertebrate species. In addition, this alteration is predicted to be tolerated by in silico analysis. Since supporting evidence is limited at this time, the clinical significance of this alteration remains unclear.